The following is an entry in ClinVar:

NM_207361.6(FREM2):c.8772T>C (p.Asp2924=)

Gene: FREM2 (FRAS1 related extracellular matrix 2; plus strand). Cytogenetic location: 13q13.3.
Variant type: single nucleotide variant.
Coding change: c.8772T>C on transcript NM_207361.6 (MANE Select); coding-DNA position 8772, T replaced by C.
Protein change: p.Asp2924=; no amino-acid change (aspartic acid 2924 retained).
Molecular consequence: synonymous variant.
Genome position (GRCh38, 1-based): chr13:38,878,234, T>C. VCF-style: chr13-38878234-T-C. GRCh37 (hg19) VCF-style: chr13-39452371-T-C.
Other names: c.8772T>C (NM_207361.5).
Identifiers: ClinVar variation 2890440 (VCV002890440.4), dbSNP rs148086337, ClinGen allele CA6956215.
Genomic context (GRCh38, chr13:38,878,234, plus strand): 5'-GAATCTGGGTGACTCCTTTTACTGCAGCATTGAGAAGGTGTTTCTATGCACTGGAGCTGA[T>C]GGCTATGTTCCCAAGTATAGTCCAATGAATGCAGAATATGGCTGCTTAGCCGACTCTCCT-3'
Protein context (NP_997244.4, residues 2914-2934): IEKVFLCTGA[Asp2924=]GYVPKYSPMN

ClinVar aggregate classification (germline): Likely benign. Review status: criteria provided, multiple submitters, no conflicts (2 of 4 stars). 2 submissions from 2 submitters: Likely benign (2). Last evaluated 2026-05-17.

Conditions:
FREM2-related disorder. Also called: FREM2-related condition.

Allele frequency attached by ClinVar (database versions not stated): TOPMed 0.00005; gnomAD 0.00007; ExAC 0.00008; ESP Exome Variant Server 0.00008; 1000 Genomes Project 30x 0.00016; 1000 Genomes Project 0.00020.
gnomAD v4.1: 252 of 1,613,792 alleles (0.016%); highest among the groups gnomAD compares: Non-Finnish European, 0.02%; no homozygotes.

Submissions (2):

PreventionGenetics, part of Exact Sciences
Classification: Likely benign for FREM2-related condition. Last evaluated: 2026-05-17. Review status: criteria provided, single submitter. Criteria: ACMG Guidelines, 2015. Collection method: clinical testing. Allele origin: germline.
Comment: This variant is classified as likely benign based on ACMG/AMP sequence variant interpretation guidelines (Richards et al. 2015 PMID: 25741868, with internal and published modifications).

Labcorp Genetics (formerly Invitae), Labcorp
Classification: Likely benign. Last evaluated: 2026-01-14. Review status: criteria provided, single submitter. Criteria: Invitae Variant Classification Sherloc (09022015). Collection method: clinical testing. Allele origin: germline.